The following is an entry in ClinVar:

NM_001039591.3(USP9X):c.5971G>A (p.Val1991Ile)

Gene: USP9X (ubiquitin specific peptidase 9 X-linked; plus strand). Cytogenetic location: Xp11.4.
Variant type: single nucleotide variant.
Coding change: c.5971G>A on transcript NM_001039591.3 (MANE Select); coding-DNA position 5971, G replaced by A.
Protein change: p.Val1991Ile; replaces valine 1991 with isoleucine.
Molecular consequence: missense variant.
Genome position (GRCh38, 1-based): chrX:41,216,538, G>A. VCF-style: chrX-41216538-G-A. GRCh37 (hg19) VCF-style: chrX-41075791-G-A.
Other names: c.5971G>A, p.Val1991Ile (NM_001039590.3); c.5986G>A, p.Val1996Ile (NM_001410748.1, NM_001410749.1); short protein forms V1991I, V1996I.
Identifiers: ClinVar variation 2505808 (VCV002505808.1), dbSNP rs2519372466, ClinGen allele CA412797366.

ClinVar aggregate classification (germline): Uncertain significance (1 of 4 stars; one submission).

Submission:

GeneDx
Classification: Uncertain significance. Last evaluated: 2022-12-18. Review status: criteria provided, single submitter. Criteria: GeneDx Variant Classification Process June 2021. Collection method: clinical testing. Allele origin: germline. Affected: yes.
Comment: Not observed at significant frequency in large population cohorts (gnomAD); In silico analysis supports that this missense variant does not alter protein structure/function; Has not been previously published as pathogenic or benign to our knowledge